The following is an entry in ClinVar:

NM_002547.3(OPHN1):c.2048del (p.Lys683fs)

Gene: OPHN1 (oligophrenin 1; minus strand). Cytogenetic location: Xq12.
Variant type: Deletion.
Coding change: c.2048del on transcript NM_002547.3 (MANE Select); coding-DNA position 2048, one base deleted (A; older notation c.2048delA).
Protein change: p.Lys683fs; shifts the reading frame from lysine 683.
Molecular consequence: frameshift variant. On other transcripts: intron variant (1).
Genome position (GRCh38, 1-based): chrX:68,063,964, T deleted on the plus strand (A on the coding strand, the reverse complement: OPHN1 is on the minus strand); the first of 2 consecutive T bases (chrX:68,063,964-68,063,965); deleting either gives the same sequence. VCF-style (leftmost placement, unchanged base first): chrX-68063963-CT-C. GRCh37 (hg19) VCF-style: chrX-67283805-CT-C.
Other names: c.2048delA (NM_002547.3); c.1834+9188del (NM_001437258.1); short protein forms K683fs.
Identifiers: ClinVar variation 4688274 (VCV004688274.1).

ClinVar aggregate classification (germline): Pathogenic (1 of 4 stars; one submission).

Conditions:
Intellectual developmental disorder, X-linked, syndromic, Billuart type. Also called: MENTAL RETARDATION, X-LINKED 60; X-linked intellectual disability-cerebellar hypoplasia syndrome. Identifiers: Orphanet 137831, MedGen C1845366, MONDO:0010337, OMIM 300486.

Submission:

Women's Health and Genetics/Laboratory Corporation of America, LabCorp
Classification: Pathogenic for Intellectual developmental disorder, X-linked, syndromic, Billuart type. Last evaluated: 2025-12-16. Review status: criteria provided, single submitter. Criteria: LabCorp Variant Classification Summary - May 2015. Collection method: clinical testing. Allele origin: germline.
Comment: Variant summary: OPHN1 c.2048delA (p.Lys683ArgfsX24) results in a premature termination codon, predicted to cause a truncation of the encoded protein or absence of the protein due to nonsense mediated decay, which are commonly known mechanisms for disease. The variant was absent in 179770 control chromosomes. To our knowledge, no occurrence of c.2048delA in individuals affected with OPHN1-related conditions and no experimental evidence demonstrating its impact on protein function have been reported. No submitters have cited clinical-significance assessments for this variant to ClinVar. Based on the evidence outlined above, the variant was classified as pathogenic.